The following is an entry in ClinVar:

ClinVar aggregate classification (germline): Uncertain significance. Review status: criteria provided, multiple submitters, no conflicts (2 of 4 stars). 4 submissions from 4 submitters: Uncertain significance (4). Last evaluated 2025-03-04.

Conditions:
Polycystic kidney disease, adult type (PKD1). Also called: Polycystic Kidney Disease 1, Autosomal Dominant; Polycystic kidney disease 1; Polycystic kidney disease 1, severe; POLYCYSTIC KIDNEY DISEASE, ADULT, TYPE I; Polycystic Kidney, Autosomal Dominant; POLYCYSTIC KIDNEY DISEASE 1 WITH OR WITHOUT POLYCYSTIC LIVER DISEASE. Identifiers: MedGen C3149841, MONDO:0008263, OMIM 173900.
Inborn genetic diseases. Identifiers: MedGen C0950123, MeSH D030342.

gnomAD v4.1: 217 of 1,581,110 alleles (0.014%); highest among the groups gnomAD compares: South Asian, 0.057%; 1 homozygote.

Submissions (4):

Women's Health and Genetics/Laboratory Corporation of America, LabCorp
Classification: Uncertain significance. Last evaluated: 2025-03-04. Review status: criteria provided, single submitter. Criteria: LabCorp Variant Classification Summary - May 2015. Collection method: clinical testing. Allele origin: germline.
Comment: Variant summary: PKD1 c.3479C>T (p.Thr1160Met) results in a non-conservative amino acid change in the encoded protein sequence. Three of five in-silico tools predict a benign effect of the variant on protein function. The variant allele was found at a frequency of 0.00011 in 192438 control chromosomes. This frequency is not significantly higher than estimated for a pathogenic variant in PKD1 causing Polycystic Kidney Disease 1 (0.00011 vs 0.0005), allowing no conclusion about variant significance. To our knowledge, no occurrence of c.3479C>T in individuals affected with Polycystic Kidney Disease 1 and no experimental evidence demonstrating its impact on protein function have been reported. ClinVar contains an entry for this variant (Variation ID: 3306807). Based on the evidence outlined above, the variant was classified as uncertain significance.

Ambry Genetics
Classification: Uncertain significance for Inborn genetic diseases. Last evaluated: 2024-05-20. Review status: criteria provided, single submitter. Criteria: Ambry Variant Classification Scheme 2023. Collection method: clinical testing. Allele origin: germline.

Genetic Services Laboratory, University of Chicago
Classification: Uncertain significance. Last evaluated: 2023-07-31. Review status: criteria provided, single submitter. Criteria: ACMG Guidelines, 2015. Collection method: clinical testing. Allele origin: germline. Affected: no.
Comment: DNA sequence analysis of the PKD1 gene demonstrated a sequence change, c.3479C>T, in exon 15 that results in an amino acid change, p.Thr1160Met. This sequence change does not appear to have been previously described in individuals with PKD1-related disorders. This sequence change has been described in the gnomAD database with a frequency of 0.01% in the overall population (dbSNP rs779579607). The p.Thr1160Met change affects a moderately conserved amino acid residue located in a domain of the PKD1 protein that is known to be functional. In-silico pathogenicity prediction tools (SIFT, PolyPhen2, Align GVGD, REVEL) provide contradictory results for the p.Thr1160Met substitution. Due to insufficient evidence and the lack of functional studies, the clinical significance of the p.Thr1160Met change remains unknown at this time.

Department of Pathology and Laboratory Medicine, Sinai Health System
Classification: Uncertain significance for Polycystic kidney disease, adult type. Last evaluated: 2021-06-04. Review status: criteria provided, single submitter. Criteria: ACMG Guidelines, 2015. Collection method: clinical testing. Allele origin: germline. Affected: yes.

NM_001009944.3(PKD1):c.3479C>T (p.Thr1160Met)

Gene: PKD1 (polycystin 1, transient receptor potential channel interacting; minus strand). Cytogenetic location: 16p13.3.
Variant type: single nucleotide variant.
Coding change: c.3479C>T on transcript NM_001009944.3 (MANE Select); coding-DNA position 3479, C replaced by T.
Protein change: p.Thr1160Met; replaces threonine 1160 with methionine.
Molecular consequence: missense variant.
Genome position (GRCh38, 1-based): chr16:2,111,688, G>A on the plus strand (C>T on the coding strand, the complement: PKD1 is on the minus strand). VCF-style: chr16-2111688-G-A. GRCh37 (hg19) VCF-style: chr16-2161689-G-A.
Other names: c.3479C>T, p.Thr1160Met (NM_000296.4); short protein forms T1160M.
Identifiers: ClinVar variation 3306807 (VCV003306807.5).